The following is an entry in ClinVar:

ClinVar aggregate classification (germline): Uncertain significance. Review status: criteria provided, multiple submitters, no conflicts (2 of 4 stars). 3 submissions from 3 submitters: Uncertain significance (3). Last evaluated 2025-10-13.

Conditions:
Hereditary cancer-predisposing syndrome. Also called: Tumor predisposition; Hereditary Cancer Syndrome; Neoplastic Syndromes, Hereditary; Hereditary neoplastic syndrome. Identifiers: Orphanet 140162, MedGen C0027672, MeSH D009386, MONDO:0015356.
Cardiovascular phenotype. Identifiers: MedGen CN230736.
Neurofibromatosis, type 1 (NF1). Also called: VON RECKLINGHAUSEN DISEASE; NEUROFIBROMATOSIS, TYPE I, SOMATIC; Neurofibromatosis, type I; Peripheral type neurofibromatosis. Identifiers: Orphanet 636, MedGen C0027831, MONDO:0018975, OMIM 162200. Disease mechanism: loss of function.

Allele frequency attached by ClinVar (database versions not stated): gnomAD exomes below 0.00001.
gnomAD v4.1: 1 of 1,614,178 alleles (0.000062%); highest among the groups gnomAD compares: Non-Finnish European, 0.000085%; no homozygotes.

Submissions (3):

Labcorp Genetics (formerly Invitae), Labcorp
Classification: Uncertain significance for Neurofibromatosis, type 1. Last evaluated: 2025-10-13. Review status: criteria provided, single submitter. Criteria: Invitae Variant Classification Sherloc (09022015). Collection method: clinical testing. Allele origin: germline.
Comment: This sequence change replaces isoleucine, which is neutral and non-polar, with methionine, which is neutral and non-polar, at codon 1658 of the NF1 protein (p.Ile1658Met). This variant is not present in population databases (gnomAD no frequency). This variant has not been reported in the literature in individuals affected with NF1-related conditions. ClinVar contains an entry for this variant (Variation ID: 451370). Invitae Evidence Modeling of protein sequence and biophysical properties (such as structural, functional, and spatial information, amino acid conservation, physicochemical variation, residue mobility, and thermodynamic stability) has been performed for this missense variant. However, the output from this modeling did not meet the statistical confidence thresholds required to predict the impact of this variant on NF1 protein function. In summary, the available evidence is currently insufficient to determine the role of this variant in disease. Therefore, it has been classified as a Variant of Uncertain Significance.

Ambry Genetics
Classification: Uncertain significance for Cardiovascular phenotype; Hereditary cancer-predisposing syndrome. Last evaluated: 2025-08-23. Review status: criteria provided, single submitter. Criteria: Ambry Variant Classification Scheme 2023. Collection method: clinical testing. Allele origin: germline.
Comment: The p.I1658M variant (also known as c.4974C>G), located in coding exon 36 of the NF1 gene, results from a C to G substitution at nucleotide position 4974. The isoleucine at codon 1658 is replaced by methionine, an amino acid with highly similar properties. This amino acid position is conserved. In addition, the in silico prediction for this alteration is inconclusive. Based on the available evidence, the clinical significance of this variant remains unclear.

GeneDx
Classification: Uncertain significance. Last evaluated: 2017-08-14. Review status: criteria provided, single submitter. Criteria: GeneDx Variant Classification (06012015). Collection method: clinical testing. Allele origin: germline. Affected: yes.
Comment: The I1658M variant has not been published as a pathogenic variant, nor has it been reported as a benign variant to our knowledge. The variant is not observed in large population cohorts (Lek et al., 2016; 1000 Genomes Consortium et al., 2015; Exome Variant Server). I1658M is a conservative amino acid substitution, which is not likely to impact secondary protein structure as these residues share similar properties. This substitution occurs at a position where amino acids with similar properties to Isoleucine are tolerated across species. However, in silico analysis is inconsistent in its predictions as to whether or not the variant is damaging to the protein structure/function. In summary, based on the currently available information, it is unclear whether this variant is a pathogenic variant or a rare benign variant.

NM_001042492.3(NF1):c.5037C>G (p.Ile1679Met)

Gene: NF1 (neurofibromin 1; plus strand). Cytogenetic location: 17q11.2.
Variant type: single nucleotide variant.
Coding change: c.5037C>G on transcript NM_001042492.3 (MANE Select); coding-DNA position 5037, C replaced by G.
Protein change: p.Ile1679Met; replaces isoleucine 1679 with methionine.
Molecular consequence: missense variant.
Genome position (GRCh38, 1-based): chr17:31,326,021, C>G. VCF-style: chr17-31326021-C-G. GRCh37 (hg19) VCF-style: chr17-29653039-C-G.
Other names: c.4974C>G, p.Ile1658Met (NM_000267.4); short protein forms I1658M, I1679M.
Identifiers: ClinVar variation 451370 (VCV000451370.7), dbSNP rs1555533349, ClinGen allele CA399007367.
Genomic context (GRCh38, chr17:31,326,021, plus strand): 5'-CTCTAAGTGGTTTGTTGTTTTTCCTGGCTTTGCTTACGACAACGTCTCCGCAGTCTATAT[C>G]TATAACTGTAACTCCTGGGTCAGGGAGTACACCAAGTATCATGAGCGGCTGCTGACTGGC-3'
Protein context (NP_001035957.1, residues 1669-1689): FAYDNVSAVY[Ile1679Met]YNCNSWVREY